The following is an entry in ClinVar:

NM_025082.4(CENPT):c.67G>A (p.Ala23Thr)

Gene: CENPT (centromere protein T; minus strand). Cytogenetic location: 16q22.1.
Variant type: single nucleotide variant.
Coding change: c.67G>A on transcript NM_025082.4 (MANE Select); coding-DNA position 67, G replaced by A.
Protein change: p.Ala23Thr; replaces alanine 23 with threonine.
Molecular consequence: missense variant.
Genome position (GRCh38, 1-based): chr16:67,833,793, C>T on the plus strand (G>A on the coding strand, the complement: CENPT is on the minus strand). VCF-style: chr16-67833793-C-T. GRCh37 (hg19) VCF-style: chr16-67867696-C-T.
Other names: short protein forms A23T.
Identifiers: ClinVar variation 3046206 (VCV003046206.2), dbSNP rs138604758, ClinGen allele CA8118064.

ClinVar aggregate classification (germline): Benign (0 of 4 stars; one submission).

Conditions:
CENPT-related disorder. Also called: CENPT-related condition.

Allele frequency attached by ClinVar (database versions not stated): gnomAD exomes 0.00040; ExAC 0.00165; 1000 Genomes Project 30x 0.00328; ESP Exome Variant Server 0.00337; 1000 Genomes Project 0.00339; gnomAD 0.00372; TOPMed 0.00420.
gnomAD v4.1: 1,165 of 1,573,908 alleles (0.074%); highest among the groups gnomAD compares: African/African-American, 1.4%; 12 homozygotes.

Submission:

PreventionGenetics, part of Exact Sciences
Classification: Benign for CENPT-related condition. Last evaluated: 2019-04-25. Review status: no assertion criteria provided. Collection method: clinical testing. Allele origin: germline.
Comment: This variant is classified as benign based on ACMG/AMP sequence variant interpretation guidelines (Richards et al. 2015 PMID: 25741868, with internal and published modifications).